The following is an entry in ClinVar:

NM_001142800.2(EYS):c.9073G>A (p.Gly3025Arg)

Genes: EYS (EGF-like photoreceptor maintenance factor; minus strand), PHF3 (PHD finger protein 3; plus strand). Cytogenetic location: 6q12.
Variant type: single nucleotide variant.
Coding change: c.9073G>A on transcript NM_001142800.2 (MANE Select); coding-DNA position 9073, G replaced by A.
Protein change: p.Gly3025Arg; replaces glycine 3025 with arginine.
Molecular consequence: missense variant. On other transcripts: 3 prime UTR variant (5).
Genome position (GRCh38, 1-based): chr6:63,720,958, C>T on the plus strand (G>A on the coding strand, the complement: EYS is on the minus strand). VCF-style: chr6-63720958-C-T. GRCh37 (hg19) VCF-style: chr6-64430854-C-T.
Other names: c.*7250C>T (NM_001290259.2, NM_001370348.2, NM_001370349.2 and 2 more transcripts); c.9136G>A, p.Gly3046Arg (NM_001292009.2); short protein forms G3025R, G3046R.
Identifiers: ClinVar variation 1024211 (VCV001024211.8), dbSNP rs1768358965, ClinGen allele CA364383323.
Genomic context (GRCh38, chr6:63,720,958, plus strand): 5'-GCCATTTATTACAACAGAATGTGCCATTGTTATAGCTCATAGGCACAGAGATTCTTTCTC[C>T]CAAGTTAACTGCTATTTTCAAGGTCTGATTATGGAGACCAATTGCCAGAAAATCATTTTC-3'
Protein context (NP_001136272.1, residues 3015-3035): NQTLKIAVNL[Gly3025Arg]ERISVPMSYN

ClinVar aggregate classification (germline): Uncertain significance (1 of 4 stars; one submission).

Allele frequency attached by ClinVar (database versions not stated): gnomAD exomes below 0.00001.
gnomAD v4.1: 1 of 1,551,234 alleles (0.000064%); highest among the groups gnomAD compares: Non-Finnish European, 0.000087%; no homozygotes.

Submission:

Labcorp Genetics (formerly Invitae), Labcorp
Classification: Uncertain significance. Last evaluated: 2024-02-17. Review status: criteria provided, single submitter. Criteria: Invitae Variant Classification Sherloc (09022015). Collection method: clinical testing. Allele origin: germline.
Comment: This sequence change replaces glycine, which is neutral and non-polar, with arginine, which is basic and polar, at codon 3025 of the EYS protein (p.Gly3025Arg). This variant is not present in population databases (gnomAD no frequency). This variant has not been reported in the literature in individuals affected with EYS-related conditions. ClinVar contains an entry for this variant (Variation ID: 1024211). Advanced modeling of protein sequence and biophysical properties (such as structural, functional, and spatial information, amino acid conservation, physicochemical variation, residue mobility, and thermodynamic stability) has been performed at Invitae for this missense variant, however the output from this modeling did not meet the statistical confidence thresholds required to predict the impact of this variant on EYS protein function. In summary, the available evidence is currently insufficient to determine the role of this variant in disease. Therefore, it has been classified as a Variant of Uncertain Significance.